The following is an entry in ClinVar:

ClinVar aggregate classification (germline): Benign. Review status: criteria provided, multiple submitters, no conflicts (2 of 4 stars). 2 submissions from 2 submitters: Benign (2). Last evaluated 2018-01-12.

Conditions:
Heterotaxy, visceral, 4, autosomal (HTX4). Identifiers: Orphanet 450, MedGen C3151057, MONDO:0013403, OMIM 613751.

Allele frequency attached by ClinVar (database versions not stated): gnomAD 0.05920 and 0.06180; TOPMed 0.06978; 1000 Genomes Project 30x 0.09369; 1000 Genomes Project 0.09385.

Submissions (2):

Illumina Laboratory Services, Illumina
Classification: Benign for Heterotaxy, visceral, 4, autosomal. Last evaluated: 2018-01-12. Review status: criteria provided, single submitter. Criteria: ICSL Variant Classification Criteria 13 December 2019. Collection method: clinical testing. Allele origin: germline.
Comment: This variant was observed in the ICSL laboratory as part of a predisposition screen in an ostensibly healthy population. It had not been previously curated by ICSL or reported in the Human Gene Mutation Database (HGMD: prior to June 1st, 2018), and was therefore a candidate for classification through an automated scoring system. Utilizing variant allele frequency, disease prevalence and penetrance estimates, and inheritance mode, an automated score was calculated to assess if this variant is too frequent to cause the disease. Based on the score and internal cut-off values, a variant classified as benign is not then subjected to further curation. The score for this variant resulted in a classification of benign for this disease.

Breakthrough Genomics
Classification: Benign. Review status: criteria provided, single submitter. Criteria: ACMG Guidelines, 2015. Collection method: not provided. Allele origin: germline. Inheritance: Unknown mechanism. Affected: yes.

NM_001106.4(ACVR2B):c.*5256A>G

Gene: ACVR2B (activin A receptor type 2B; plus strand). Cytogenetic location: 3p22.2.
Variant type: single nucleotide variant.
Coding change: c.*5256A>G on transcript NM_001106.4 (MANE Select); 5256 bases downstream of the stop codon, A replaced by G.
Molecular consequence: 3 prime UTR variant.
Genome position (GRCh38, 1-based): chr3:38,488,588, A>G. VCF-style: chr3-38488588-A-G. GRCh37 (hg19) VCF-style: chr3-38530079-A-G.
Identifiers: ClinVar variation 345000 (VCV000345000.6), dbSNP rs62239941, ClinGen allele CA10616268.
Genomic context (GRCh38, chr3:38,488,588, plus strand): 5'-TGTTTTATGTTTATTTTGGGTCCACTGTAAACTTTGGTTCAAAAAAGAATTTGAATTTAA[A>G]GAATTTACCATTATTTAAATTATTACCAAGTTTTTACATTTTCATGATGGTATTTTCCAG-3'